The following is an entry in ClinVar:

NM_014915.3(ANKRD26):c.298G>C (p.Val100Leu)

Gene: ANKRD26 (ankyrin repeat domain containing 26; minus strand). Cytogenetic location: 10p12.1.
Variant type: single nucleotide variant.
Coding change: c.298G>C on transcript NM_014915.3 (MANE Select); coding-DNA position 298, G replaced by C.
Protein change: p.Val100Leu; replaces valine 100 with leucine.
Molecular consequence: missense variant.
Genome position (GRCh38, 1-based): chr10:27,093,744, C>G on the plus strand (G>C on the coding strand, the complement: ANKRD26 is on the minus strand). VCF-style: chr10-27093744-C-G. GRCh37 (hg19) VCF-style: chr10-27382673-C-G.
Other names: c.298G>C, p.Val100Leu (NM_001256053.2); short protein forms V100L.
Identifiers: ClinVar variation 3912541 (VCV003912541.1).

ClinVar aggregate classification (germline): Uncertain significance (1 of 4 stars; one submission).

Conditions:
Inborn genetic diseases. Identifiers: MedGen C0950123, MeSH D030342.

gnomAD v4.1: 4 of 1,614,228 alleles (0.00025%); highest among the groups gnomAD compares: South Asian, 0.0033%; no homozygotes.

Submission:

Ambry Genetics
Classification: Uncertain significance for Inborn genetic diseases. Last evaluated: 2025-06-12. Review status: criteria provided, single submitter. Criteria: Ambry Variant Classification Scheme 2023. Collection method: clinical testing. Allele origin: germline.
Comment: The p.V100L variant (also known as c.298G>C), located in coding exon 2 of the ANKRD26 gene, results from a G to C substitution at nucleotide position 298. The valine at codon 100 is replaced by leucine, an amino acid with highly similar properties. This amino acid position is conserved. In addition, this alteration is predicted to be tolerated by in silico analysis. Based on the available evidence, the clinical significance of this variant remains unclear.